The following is an entry in ClinVar:

NM_001271.4(CHD2):c.1413del (p.Lys472fs)

Gene: CHD2 (chromodomain helicase DNA binding protein 2; plus strand). Cytogenetic location: 15q26.1.
Variant type: Deletion.
Coding change: c.1413del on transcript NM_001271.4 (MANE Select); coding-DNA position 1413, one base deleted (G; older notation c.1413delG).
Protein change: p.Lys472fs; shifts the reading frame from lysine 472.
Molecular consequence: frameshift variant.
Genome position (GRCh38, 1-based): chr15:92,948,987, G deleted. VCF-style (leftmost placement, unchanged base first): chr15-92948986-AG-A. GRCh37 (hg19) VCF-style: chr15-93492216-AG-A.
Other names: c.1413del, p.Lys472fs (NM_001042572.3); short protein forms K472fs.
Identifiers: ClinVar variation 5040052 (VCV005040052.1).
Genomic context (GRCh38, chr15:92,948,986, plus strand): 5'-CTCAGACTTGGGCTTTTGTTTTTCAGGCCCTGAAGCAGAGACCACGATTTGTAGCTTTAA[AG>A]AAACAACCTGCATATTTAGGAGGGGAGAATCTGGAACTTCGAGATTATCAGCTAGAAGGT-3'

ClinVar aggregate classification (germline): Pathogenic (1 of 4 stars; one submission).

Submission:

CeGaT Center for Human Genetics Tuebingen
Classification: Pathogenic. Last evaluated: 2026-07-01. Review status: criteria provided, single submitter. Criteria: CeGaT Center For Human Genetics Tuebingen Variant Classification Criteria Version 2. Collection method: clinical testing. Allele origin: germline. Affected: yes. Observed: 1 variant allele.
Comment: CHD2: PVS1, PM2